The following is an entry in ClinVar:

ClinVar aggregate classification (germline): Likely benign (1 of 4 stars; one submission).

Allele frequency attached by ClinVar (database versions not stated): gnomAD exomes 0.00002; gnomAD 0.00003; TOPMed 0.00003; ESP Exome Variant Server 0.00008; ExAC 0.00009.
gnomAD v4.1: 33 of 1,565,612 alleles (0.0021%); highest among the groups gnomAD compares: Middle Eastern, 0.017%; no homozygotes.

Submission:

CeGaT Center for Human Genetics Tuebingen
Classification: Likely benign. Last evaluated: 2023-04-01. Review status: criteria provided, single submitter. Criteria: CeGaT Center For Human Genetics Tuebingen Variant Classification Criteria Version 2. Collection method: clinical testing. Allele origin: germline. Affected: yes. Observed: 1 variant allele.
Comment: TECPR1: BP4, BP7

NM_015395.3(TECPR1):c.3219C>T (p.His1073=)

Gene: TECPR1 (tectonin beta-propeller repeat containing 1; minus strand). Cytogenetic location: 7q21.3.
Variant type: single nucleotide variant.
Coding change: c.3219C>T on transcript NM_015395.3 (MANE Select); coding-DNA position 3219, C replaced by T.
Protein change: p.His1073=; no amino-acid change (histidine 1073 retained).
Molecular consequence: synonymous variant.
Genome position (GRCh38, 1-based): chr7:98,217,981, G>A on the plus strand (C>T on the coding strand, the complement: TECPR1 is on the minus strand). VCF-style: chr7-98217981-G-A. GRCh37 (hg19) VCF-style: chr7-97847293-G-A.
Identifiers: ClinVar variation 2657696 (VCV002657696.24), dbSNP rs373155446, ClinGen allele CA4356388.
Genomic context (GRCh38, chr7:98,217,981, plus strand): 5'-CCTGAGCACCCCCACCTGGTCCAGGGGCCCCACGGACACTCGGCACACGTTGTTGGACAC[G>A]TGCTCCCAGCTGGAGCCCTGCGGGTAGCTGGGCGTGATCCCTTGGCGATACCACAGGTTT-3'
Protein context (NP_056210.1, residues 1063-1083): PSYPQGSSWE[His1073=]VSNNVCRVSV